The following is an entry in ClinVar:

ClinVar aggregate classification (germline): Uncertain significance (1 of 4 stars; one submission).

gnomAD v4.1: 2 of 1,614,124 alleles (0.00012%); highest among the groups gnomAD compares: Non-Finnish European, 0.00017%; no homozygotes.

Submission:

Women's Health and Genetics/Laboratory Corporation of America, LabCorp
Classification: Uncertain significance. Last evaluated: 2026-04-22. Review status: criteria provided, single submitter. Criteria: LabCorp Variant Classification Summary - May 2015. Collection method: clinical testing. Allele origin: germline.
Comment: Variant summary: CUX1 c.3362G>A (p.Gly1121Glu) results in a non-conservative amino acid change in the encoded protein sequence. Algorithms developed to predict the effect of missense changes on protein structure and function are either unavailable or do not agree on the potential impact of this missense change. The variant allele was found at a frequency of 4e-06 in 251240 control chromosomes. The available data on variant occurrences in the general population are insufficient to allow any conclusion about variant significance. To our knowledge, no occurrence of c.3362G>A in individuals affected with CUX1-related conditions and no experimental evidence demonstrating its impact on protein function have been reported. No submitters have cited clinical-significance assessments for this variant to ClinVar. Based on the evidence outlined above, the variant was classified as uncertain significance.

NM_181552.4(CUX1):c.3329G>A (p.Gly1110Glu)

Gene: CUX1 (cut like homeobox 1; plus strand). Cytogenetic location: 7q22.1.
Variant type: single nucleotide variant.
Coding change: c.3329G>A on transcript NM_181552.4 (MANE Select); coding-DNA position 3329, G replaced by A.
Protein change: p.Gly1110Glu; replaces glycine 1110 with glutamic acid.
Molecular consequence: missense variant. On other transcripts: intron variant (5).
Genome position (GRCh38, 1-based): chr7:102,227,565, G>A. VCF-style: chr7-102227565-G-A. GRCh37 (hg19) VCF-style: chr7-101870845-G-A.
Other names: c.3362G>A, p.Gly1121Glu (NM_001202543.2); c.1255+31962G>A (NM_001913.5); c.1249+31962G>A (NM_181500.4); c.1117+31962G>A (NM_001202545.3); c.1207+31962G>A (NM_001202544.3); c.1138+31962G>A (NM_001202546.3); short protein forms G1110E, G1121E.
Identifiers: ClinVar variation 4849135 (VCV004849135.1).
Genomic context (GRCh38, chr7:102,227,565, plus strand): 5'-CAGAGCCCAGTGACCCGCCAGCATCCGACTCCCAGCCCACAACCCCGCTGCCTCTCTCCG[G>A]ACACTCGGCCCTCAGCATCCAAGAATTAGTAGCCATGTCCCCGGAGCTGGACACCTACGG-3'
Protein context (NP_853530.2, residues 1100-1120): SQPTTPLPLS[Gly1110Glu]HSALSIQELV